The following is an entry in ClinVar:

NM_000064.4(C3):c.905T>C (p.Leu302Pro)

Gene: C3 (complement C3; minus strand). Cytogenetic location: 19p13.3.
Variant type: single nucleotide variant.
Coding change: c.905T>C on transcript NM_000064.4 (MANE Select); coding-DNA position 905, T replaced by C.
Protein change: p.Leu302Pro; replaces leucine 302 with proline.
Molecular consequence: missense variant.
Genome position (GRCh38, 1-based): chr19:6,713,287, A>G on the plus strand (T>C on the coding strand, the complement: C3 is on the minus strand). VCF-style: chr19-6713287-A-G. GRCh37 (hg19) VCF-style: chr19-6713298-A-G.
Other names: short protein forms L302P.
Identifiers: ClinVar variation 4280278 (VCV004280278.1).
Genomic context (GRCh38, chr19:6,713,287, plus strand): 5'-TTCCCCACCAGGTCTTCTGCTCGGGGGTTCTGCACCCCGTCCAGCAGTACCTTCCGGCTC[A>G]GCACAACCTCCCCCGAGCCATCCTCAATCTGAGAAGGGAGAGGAGGGCTCAGAGAGGGGA-3'
Protein context (NP_000055.2, residues 292-312): PIEDGSGEVV[Leu302Pro]SRKVLLDGVQ

ClinVar aggregate classification (germline): Uncertain significance (1 of 4 stars; one submission).

Conditions:
Complement component 3 deficiency. Identifiers: Orphanet 280133, MedGen C3151071, MONDO:0013417, OMIM 613779.
C3 glomerulonephritis. Also called: Nephropathy due to CFHR5 Deficiency; C3 GLOMERULOPATHY 3. Identifiers: Orphanet 329931, MedGen C4055342, MONDO:0013892, OMIM 614809.
Atypical hemolytic-uremic syndrome. Identifiers: Orphanet 2134, MedGen C2931788, MONDO:0016244.

Submission:

Genomenon, Inc
Classification: Uncertain significance for Complement component 3 deficiency; C3 glomerulonephritis; Atypical hemolytic-uremic syndrome. Last evaluated: 2025-09-30. Review status: criteria provided, single submitter. Criteria: Genomenon Sequence Variant Interpretation Standards. Collection method: curation. Allele origin: germline. Affected: no.
Comment: C3 p.Leu302Pro (c.905T>C) is a missense variant that changes the amino acid at residue 302 from Leucine to Proline. This variant has been reported in the published literature (PMID:30131807). It is absent or not present at a significant frequency in gnomAD. In conclusion, we classify C3 p.Leu302Pro (c.905T>C) as a variant of unknown significance.

Literature cited by the submitters: PubMed 30131807.